The following is an entry in ClinVar:

ClinVar aggregate classification (germline): Uncertain significance (1 of 4 stars; one submission).

Conditions:
Hereditary cancer-predisposing syndrome. Also called: Tumor predisposition; Hereditary neoplastic syndrome; Neoplastic Syndromes, Hereditary; Hereditary Cancer Syndrome. Identifiers: Orphanet 140162, MedGen C0027672, MeSH D009386, MONDO:0015356.

Submission:

Ambry Genetics
Classification: Uncertain significance for Hereditary cancer-predisposing syndrome. Last evaluated: 2018-06-18. Review status: criteria provided, single submitter. Criteria: Ambry Variant Classification Scheme 2023. Collection method: clinical testing. Allele origin: germline.
Comment: The p.V510E variant (also known as c.1529T>A), located in coding exon 12 of the POLD1 gene, results from a T to A substitution at nucleotide position 1529. The valine at codon 510 is replaced by glutamic acid, an amino acid with dissimilar properties. This amino acid position is highly conserved in available vertebrate species. In addition, the in silico prediction for this alteration is inconclusive. Since supporting evidence is limited at this time, the clinical significance of this alteration remains unclear.

NM_002691.4(POLD1):c.1529T>A (p.Val510Glu)

Gene: POLD1 (DNA polymerase delta 1, catalytic subunit; plus strand). Cytogenetic location: 19q13.33.
Variant type: single nucleotide variant.
Coding change: c.1529T>A on transcript NM_002691.4 (MANE Select); coding-DNA position 1529, T replaced by A.
Protein change: p.Val510Glu; replaces valine 510 with glutamic acid.
Molecular consequence: missense variant. On other transcripts: non-coding transcript variant (1).
Genome position (GRCh38, 1-based): chr19:50,407,017, T>A. VCF-style: chr19-50407017-T-A. GRCh37 (hg19) VCF-style: chr19-50910274-T-A.
Other names: c.1529T>A, p.Val510Glu (NM_001256849.1, NM_001308632.1); short protein forms V510E.
Identifiers: ClinVar variation 819463 (VCV000819463.4), dbSNP rs1555791351, ClinGen allele CA406980809.